The following is an entry in ClinVar:

NM_000718.4(CACNA1B):c.390+1_390+2insACGACACGGAGCCCTATTTCATCGGGATC

Genes: CACNA1B (calcium voltage-gated channel subunit alpha1 B; plus strand), CACNA1B-AS2 (CACNA1B antisense RNA 2; minus strand). Cytogenetic location: 9q34.3.
Variant type: Insertion.
Coding change: c.390+1_390+2insACGACACGGAGCCCTATTTCATCGGGATC on transcript NM_000718.4 (MANE Select); the canonical splice donor site of the intron after coding-DNA position 390, ACGACACGGAGCCCTATTTCATCGGGATC inserted.
Molecular consequence: splice donor variant.
Genome position: GRCh38 VCF-style: chr9-137879160-G-GACGACACGGAGCCCTATTTCATCGGGATC. GRCh37 (hg19) VCF-style: chr9-140773612-G-GACGACACGGAGCCCTATTTCATCGGGATC.
Other names: c.390+1_390+2insACGACACGGAGCCCTATTTCATCGGGATC (NM_001243812.2).
Identifiers: ClinVar variation 2060992 (VCV002060992.1), dbSNP rs370237172, ClinGen allele CA2580081015.
Genomic context (GRCh38, chr9:137,879,160, plus strand): 5'-GTGCTGGCCCTGGAGCAGCACCTCCCTGATGGGGACAAAACGCCCATGTCCGAGCGGCTG[G>GACGACACGGAGCCCTATTTCATCGGGATC]TGAGTGCCCGGCTGGGCCTGAGGGCAGGGTGGTGGGGAGGCCGCGACTCCACTTTCCTTT-3'

ClinVar aggregate classification (germline): Uncertain significance (1 of 4 stars; one submission).

Submission:

Labcorp Genetics (formerly Invitae), Labcorp
Classification: Uncertain significance. Last evaluated: 2022-06-28. Review status: criteria provided, single submitter. Criteria: Invitae Variant Classification Sherloc (09022015). Collection method: clinical testing. Allele origin: germline.
Comment: This sequence change falls in intron 2 of the CACNA1B gene. It does not directly change the encoded amino acid sequence of the CACNA1B protein. It affects a nucleotide within the consensus splice site. This variant is not present in population databases (gnomAD no frequency). This variant has not been reported in the literature in individuals affected with CACNA1B-related conditions. Variants that disrupt the consensus splice site are a relatively common cause of aberrant splicing (PMID: 17576681, 9536098). Algorithms developed to predict the effect of sequence changes on RNA splicing suggest that this variant may disrupt the consensus splice site. In summary, the available evidence is currently insufficient to determine the role of this variant in disease. Therefore, it has been classified as a Variant of Uncertain Significance.

Literature cited by the submitters: PubMed 17576681; PubMed 9536098.